The following is an entry in ClinVar:

ClinVar aggregate classification (germline): Benign (1 of 4 stars; one submission).

Conditions:
Lynch syndrome 4 (LYNCH4). Also called: Colorectal cancer, hereditary nonpolyposis, type 4; Hereditary non-polyposis colorectal cancer, type 4. Identifiers: Orphanet 144, MedGen C1838333, MONDO:0013699, OMIM 614337. Disease mechanism: loss of function.

Submission:

Myriad Genetics, Inc.
Classification: Benign for Lynch syndrome 4. Last evaluated: 2025-02-03. Review status: criteria provided, single submitter. Criteria: Myriad Autosomal Dominant, Autosomal Recessive and X-Linked Classification Criteria (2023). Collection method: clinical testing. Allele origin: unknown.
Comment: This variant is considered benign. This variant is a silent/synonymous amino acid change and it is not expected to impact splicing.

NM_000535.7(PMS2):c.2277T>G (p.Ala759=)

Gene: PMS2 (PMS1 homolog 2, mismatch repair system component; minus strand). Cytogenetic location: 7p22.1.
Variant type: single nucleotide variant.
Coding change: c.2277T>G on transcript NM_000535.7 (MANE Select); coding-DNA position 2277, T replaced by G.
Protein change: p.Ala759=; no amino-acid change (alanine 759 retained).
Molecular consequence: synonymous variant. On other transcripts: intron variant (2).
Genome position (GRCh38, 1-based): chr7:5,977,756, A>C on the plus strand (T>G on the coding strand, the complement: PMS2 is on the minus strand). VCF-style: chr7-5977756-A-C. GRCh37 (hg19) VCF-style: chr7-6017387-A-C.
Other names: c.1905T>G, p.Ala635= (NM_001322009.2, NM_001406887.1, NM_001406888.1); c.1716T>G, p.Ala572= (NM_001322010.2, NM_001406906.1, NM_001406907.1); c.1344T>G, p.Ala448= (NM_001322011.2, NM_001322012.2); c.1704T>G, p.Ala568= (NM_001322013.2, NM_001406908.1, NM_001406909.1); c.2310T>G, p.Ala770= (NM_001322014.2); c.1968T>G, p.Ala656= (NM_001322015.2, NM_001406877.1, NM_001406878.1 and 4 more transcripts); c.2463T>G, p.Ala821= (NM_001406866.1); c.2301T>G, p.Ala767= (NM_001406868.1); and 20 more.
Identifiers: ClinVar variation 3903437 (VCV003903437.1).